The following is an entry in ClinVar:

ClinVar aggregate classification (germline): Likely benign. Review status: criteria provided, multiple submitters, no conflicts (2 of 4 stars). 2 submissions from 2 submitters: Likely benign (2). Last evaluated 2026-06-01.

gnomAD v4.1: 61 of 1,602,992 alleles (0.0038%); highest among the groups gnomAD compares: Non-Finnish European, 0.0047%; no homozygotes.

Submissions (2):

CeGaT Center for Human Genetics Tuebingen
Classification: Likely benign. Last evaluated: 2026-06-01. Review status: criteria provided, single submitter. Criteria: CeGaT Center For Human Genetics Tuebingen Variant Classification Criteria Version 2. Collection method: clinical testing. Allele origin: germline. Affected: yes. Observed: 2 variant alleles.
Comment: TBP: BP4, BP7

Blueprint Genetics
Classification: Likely benign. Last evaluated: 2022-06-17. Review status: criteria provided, single submitter. Criteria: ACMG Guidelines, 2015. Collection method: clinical testing. Allele origin: germline.

NM_003194.5(TBP):c.258G>A (p.Gln86=)

Genes: TBP (TATA-box binding protein; plus strand), LOC108663996 (TATA-box binding protein repeat instability region; plus strand). Cytogenetic location: 6q27.
Variant type: single nucleotide variant.
Coding change: c.258G>A on transcript NM_003194.5 (MANE Select); coding-DNA position 258, G replaced by A.
Protein change: p.Gln86=; no amino-acid change (glutamine 86 retained).
Molecular consequence: synonymous variant.
Genome position (GRCh38, 1-based): chr6:170,561,994, G>A. VCF-style: chr6-170561994-G-A. GRCh37 (hg19) VCF-style: chr6-170871082-G-A.
Other names: c.198G>A, p.Gln66= (NM_001172085.2).
Identifiers: ClinVar variation 4871938 (VCV004871938.3).